The following is an entry in ClinVar:

ClinVar aggregate classification (germline): Conflicting classifications of pathogenicity. Review status: criteria provided, conflicting classifications (1 of 4 stars). 2 submissions from 2 submitters: Uncertain significance (1); Likely benign (1). Last evaluated 2023-10-13.

Conditions:
Epidermolysis bullosa simplex, Ogna type (EBS5A). Also called: Pidermolysis bullosa simplex 5A, Ogna type; EPIDERMOLYSIS BULLOSA SIMPLEX 5A, OGNA TYPE. Identifiers: Orphanet 79401, MedGen C0432317, MONDO:0007555, OMIM 131950.
Epidermolysis bullosa simplex 5C, with pyloric atresia (EBS5C). Also called: PLEC1-Related Epidermolysis Bullosa with Pyloric Atresia; PLEC-Related Epidermolysis Bullosa with Pyloric Atresia; Epidermolysis bullosa simplex with pyloric atresia. Identifiers: Orphanet 158684, MedGen C2677349, MONDO:0012807, OMIM 612138.
Epidermolysis bullosa simplex 5B, with muscular dystrophy (EBS5B). Also called: Epidermolysis bullosa simplex with muscular dystrophy; EPIDERMOLYSIS BULLOSA SIMPLEX AND LIMB-GIRDLE MUSCULAR DYSTROPHY. Identifiers: Orphanet 257, MedGen C2931072, MONDO:0009181, OMIM 226670.
Autosomal recessive limb-girdle muscular dystrophy type 2Q (LGMDR17). Also called: MUSCULAR DYSTROPHY, LIMB-GIRDLE, AUTOSOMAL RECESSIVE 17. Identifiers: Orphanet 254361, MedGen C3150989, MONDO:0013390, OMIM 613723.
Epidermolysis bullosa simplex with nail dystrophy (EBS5D). Identifiers: MedGen C4225309, MONDO:0014661, OMIM 616487.

Allele frequency attached by ClinVar (database versions not stated): TOPMed 0.00003.
gnomAD v4.1: 5 of 1,558,926 alleles (0.00032%); highest among the groups gnomAD compares: Non-Finnish European, 0.00034%; no homozygotes.

Submissions (2):

Labcorp Genetics (formerly Invitae), Labcorp
Classification: Uncertain significance for Autosomal recessive limb-girdle muscular dystrophy type 2Q; Epidermolysis bullosa simplex, Ogna type; Epidermolysis bullosa simplex with nail dystrophy; Epidermolysis bullosa simplex 5C, with pyloric atresia; Epidermolysis bullosa simplex 5B, with muscular dystrophy. Last evaluated: 2023-10-13. Review status: criteria provided, single submitter. Criteria: Invitae Variant Classification Sherloc (09022015). Collection method: clinical testing. Allele origin: germline.
Comment: This sequence change replaces glutamic acid, which is acidic and polar, with glutamine, which is neutral and polar, at codon 1626 of the PLEC protein (p.Glu1626Gln). This variant is not present in population databases (gnomAD no frequency). This variant has not been reported in the literature in individuals affected with PLEC-related conditions. ClinVar contains an entry for this variant (Variation ID: 682083). Experimental studies and prediction algorithms are not available or were not evaluated, and the functional significance of this variant is currently unknown. In summary, the available evidence is currently insufficient to determine the role of this variant in disease. Therefore, it has been classified as a Variant of Uncertain Significance.

GeneDx
Classification: Likely benign. Last evaluated: 2018-04-19. Review status: criteria provided, single submitter. Criteria: GeneDx Variant Classification (06012015). Collection method: clinical testing. Allele origin: germline. Affected: yes.
Comment: This variant is considered likely benign or benign based on one or more of the following criteria: it is a conservative change, it occurs at a poorly conserved position in the protein, it is predicted to be benign by multiple in silico algorithms, and/or has population frequency not consistent with disease.

NM_201384.3(PLEC):c.4795G>C (p.Glu1599Gln)

Gene: PLEC (plectin; minus strand). Cytogenetic location: 8q24.3.
Variant type: single nucleotide variant.
Coding change: c.4795G>C on transcript NM_201384.3 (MANE Select); coding-DNA position 4795, G replaced by C.
Protein change: p.Glu1599Gln; replaces glutamic acid 1599 with glutamine.
Molecular consequence: missense variant.
Genome position (GRCh38, 1-based): chr8:143,925,134, C>G on the plus strand (G>C on the coding strand, the complement: PLEC is on the minus strand). VCF-style: chr8-143925134-C-G. GRCh37 (hg19) VCF-style: chr8-144999302-C-G.
Other names: c.4876G>C, p.Glu1626Gln (NM_000445.5); c.4753G>C, p.Glu1585Gln (NM_201378.4); c.4729G>C, p.Glu1577Gln (NM_201379.3); c.5206G>C, p.Glu1736Gln (NM_201380.4); c.4699G>C, p.Glu1567Gln (NM_201381.3); c.4795G>C, p.Glu1599Gln (NM_201382.4); c.4807G>C, p.Glu1603Gln (NM_201383.3); short protein forms E1567Q, E1577Q, E1603Q, E1585Q, E1599Q, E1736Q, E1626Q.
Identifiers: ClinVar variation 682083 (VCV000682083.4), dbSNP rs782412083, ClinGen allele CA372552942.
Genomic context (GRCh38, chr8:143,925,134, plus strand): 5'-CGGCCTGCTGCTGTGCCCGCCGCTCAGCCTCCTCCCGCAGCTGTGCCACAGCCACGTGTT[C>G]CTCCTGCAGGGAGCGCTCCAGCTGTGCCGTCTTCTCGGCGAAGGAGGCGCGTTTGCTCTG-3'
Protein context (NP_958786.1, residues 1589-1609): TAQLERSLQE[Glu1599Gln]HVAVAQLREE